The following is an entry in ClinVar:

ClinVar aggregate classification (germline): Uncertain significance (1 of 4 stars; one submission).

gnomAD v4.1: 1 of 1,210,884 alleles (0.000083%); highest among the groups gnomAD compares: Non-Finnish European, 0.00011%; no homozygotes.

Submission:

Labcorp Genetics (formerly Invitae), Labcorp
Classification: Uncertain significance. Last evaluated: 2025-02-04. Review status: criteria provided, single submitter. Criteria: Invitae Variant Classification Sherloc (09022015). Collection method: clinical testing. Allele origin: germline.
Comment: This sequence change replaces alanine, which is neutral and non-polar, with threonine, which is neutral and polar, at codon 350 of the BGN protein (p.Ala350Thr). This variant is not present in population databases (gnomAD no frequency). This variant has not been reported in the literature in individuals affected with BGN-related conditions. An algorithm developed to predict the effect of missense changes on protein structure and function (PolyPhen-2) suggests that this variant is likely to be tolerated. In summary, the available evidence is currently insufficient to determine the role of this variant in disease. Therefore, it has been classified as a Variant of Uncertain Significance.

NM_001711.6(BGN):c.1048G>A (p.Ala350Thr)

Gene: BGN (biglycan; plus strand). Cytogenetic location: Xq28.
Variant type: single nucleotide variant.
Coding change: c.1048G>A on transcript NM_001711.6 (MANE Select); coding-DNA position 1048, G replaced by A.
Protein change: p.Ala350Thr; replaces alanine 350 with threonine.
Molecular consequence: missense variant.
Genome position (GRCh38, 1-based): chrX:153,508,386, G>A. VCF-style: chrX-153508386-G-A. GRCh37 (hg19) VCF-style: chrX-152773844-G-A.
Other names: short protein forms A350T.
Identifiers: ClinVar variation 4712270 (VCV004712270.1).